The following is an entry in ClinVar:

NM_000384.3(APOB):c.2949C>T (p.Asn983=)

Gene: APOB (apolipoprotein B; minus strand). Cytogenetic location: 2p24.1.
Variant type: single nucleotide variant.
Coding change: c.2949C>T on transcript NM_000384.3 (MANE Select); coding-DNA position 2949, C replaced by T.
Protein change: p.Asn983=; no amino-acid change (asparagine 983 retained).
Molecular consequence: synonymous variant.
Genome position (GRCh38, 1-based): chr2:21,019,773, G>A on the plus strand (C>T on the coding strand, the complement: APOB is on the minus strand). VCF-style: chr2-21019773-G-A. GRCh37 (hg19) VCF-style: chr2-21242645-G-A.
Identifiers: ClinVar variation 477804 (VCV000477804.18), dbSNP rs760094793, ClinGen allele CA057584.

ClinVar aggregate classification (germline): Likely benign. Review status: criteria provided, multiple submitters, no conflicts (2 of 4 stars). 3 submissions from 3 submitters: Likely benign (3). Last evaluated 2026-01-05.

Conditions:
Hypercholesterolemia, autosomal dominant, type B (FHCL2). Also called: APOB-Related Familial Hypercholesterolemia, Autosomal Dominant; Hyperlipoproteinemia Type IIb; Familial Hypercholesterolemia Type B; APOLIPOPROTEIN B-100, FAMILIAL DEFECTIVE; APOLIPOPROTEIN B-100, FAMILIAL LIGAND-DEFECTIVE; HYPERCHOLESTEROLEMIA, FAMILIAL, DUE TO LIGAND-DEFECTIVE APOLIPOPROTEIN B. Identifiers: MedGen C1704417, MONDO:0007751, OMIM 144010.
Familial hypobetalipoproteinemia 1. Also called: Hypobetalipoproteinemia, normotriglyceridemic; Acanthocytosis with hypobetalipoproteinemia; APOB-Related Familial Hypobetalipoproteinemia. Identifiers: MedGen C4551990, MONDO:0014252, OMIM 615558.
Cardiovascular phenotype. Identifiers: MedGen CN230736.
Familial hypercholesterolemia. Also called: Familial hypercholesterolemias; Familial hypercholesterolaemia. Identifiers: MedGen C0020445, MONDO:0005439.

Allele frequency attached by ClinVar (database versions not stated): gnomAD exomes 0.00001; ExAC 0.00002; gnomAD 0.00003; TOPMed 0.00005.
gnomAD v4.1: 38 of 1,614,064 alleles (0.0024%); highest among the groups gnomAD compares: Non-Finnish European, 0.0028%; no homozygotes.

Submissions (3):

Labcorp Genetics (formerly Invitae), Labcorp
Classification: Likely benign for Familial hypobetalipoproteinemia 1; Hypercholesterolemia, autosomal dominant, type B. Last evaluated: 2026-01-05. Review status: criteria provided, single submitter. Criteria: Invitae Variant Classification Sherloc (09022015). Collection method: clinical testing. Allele origin: germline.

Ambry Genetics
Classification: Likely benign for Cardiovascular phenotype. Last evaluated: 2024-06-11. Review status: criteria provided, single submitter. Criteria: Ambry Variant Classification Scheme 2023. Collection method: clinical testing. Allele origin: germline.

GENinCode PLC
Classification: Likely benign for Familial hypercholesterolemia. Last evaluated: 2024-05-22. Review status: criteria provided, single submitter. Criteria: ACMG Guidelines, 2015. Collection method: clinical testing. Allele origin: germline.
Comment: This is a synonymous (silent) variant that is not predicted by SpliceAI to impact splicing. In addition, it occurs at a nucleotide that is not conserved. Therefore this variant has been classified as Likely Benign (BP4, BP7).